The following is an entry in ClinVar:

ClinVar aggregate classification (germline): Benign/Likely benign. Review status: criteria provided, multiple submitters, no conflicts (2 of 4 stars). 8 submissions from 8 submitters: Benign (2); Likely benign (4). 2 of the submissions do not count toward it. Last evaluated 2026-06-02.

Conditions:
SMARCA4-related disorder. Also called: SMARCA4-related condition.
Hereditary cancer-predisposing syndrome. Also called: Tumor predisposition; Hereditary neoplastic syndrome; Neoplastic Syndromes, Hereditary; Hereditary Cancer Syndrome. Identifiers: Orphanet 140162, MedGen C0027672, MeSH D009386, MONDO:0015356.
Rhabdoid tumor predisposition syndrome 2 (RTPS2). Identifiers: Orphanet 231108, Orphanet 69077, MedGen C2750074, MONDO:0013224, OMIM 613325.

Allele frequency attached by ClinVar (database versions not stated): ESP Exome Variant Server 0.00023; TOPMed 0.00030; ExAC 0.00011; 1000 Genomes Project 0.00020; 1000 Genomes Project 30x 0.00016; gnomAD 0.00020 and 0.00021.
gnomAD v4.1: 201 of 1,586,406 alleles (0.013%); highest among the groups gnomAD compares: African/African-American, 0.052%; no homozygotes.

Submissions (8):

Myriad Genetics, Inc.
Classification: Benign for Rhabdoid tumor predisposition syndrome 2. Last evaluated: 2026-06-02. Review status: criteria provided, single submitter. Criteria: Myriad Autosomal Dominant, Autosomal Recessive and X-Linked Classification Criteria (2023). Collection method: clinical testing. Allele origin: unknown.
Comment: This variant is considered benign. This variant is intronic and is not expected to impact mRNA splicing. This variant has been observed at a population frequency that is significantly greater than expected given the associated disease prevalence and penetrance. Homozygosity has been confirmed in one or more individuals. As homozygosity for pathogenic variants in this gene is generally assumed to result in embryonic lethality, this variant is unlikely to be pathogenic.

Labcorp Genetics (formerly Invitae), Labcorp
Classification: Likely benign for Rhabdoid tumor predisposition syndrome 2. Last evaluated: 2026-02-02. Review status: criteria provided, single submitter. Criteria: Invitae Variant Classification Sherloc (09022015). Collection method: clinical testing. Allele origin: germline.

Quest Diagnostics Nichols Institute San Juan Capistrano
Classification: Benign. Last evaluated: 2022-03-12. Review status: criteria provided, single submitter. Criteria: Quest Diagnostics criteria. Collection method: clinical testing. Allele origin: unknown.

Sema4
Classification: Likely benign for Hereditary cancer-predisposing syndrome. Last evaluated: 2020-11-30. Review status: criteria provided, single submitter. Criteria: Sema4 Curation Guidelines. Collection method: curation. Allele origin: germline.

GeneDx
Classification: Likely benign. Last evaluated: 2020-02-24. Review status: criteria provided, single submitter. Criteria: GeneDx Variant Classification Process June 2021. Collection method: clinical testing. Allele origin: germline. Affected: yes.

Ambry Genetics
Classification: Likely benign for Hereditary cancer-predisposing syndrome. Last evaluated: 2018-11-14. Review status: criteria provided, single submitter. Criteria: Ambry Variant Classification Scheme 2023. Collection method: clinical testing. Allele origin: germline.

PreventionGenetics, part of Exact Sciences
Classification: Likely benign for SMARCA4-related condition. Last evaluated: 2023-08-11. Review status: no assertion criteria provided. Collection method: clinical testing. Allele origin: germline. Not counted in ClinVar's aggregate classification.
Comment: This variant is classified as likely benign based on ACMG/AMP sequence variant interpretation guidelines (Richards et al. 2015 PMID: 25741868, with internal and published modifications).

Genetic Services Laboratory, University of Chicago
Classification: Likely benign. Last evaluated: 2022-05-12. Review status: no assertion criteria provided. Collection method: clinical testing. Allele origin: germline. Affected: no. Not counted in ClinVar's aggregate classification.

NM_003072.5(SMARCA4):c.1419+4C>T

Gene: SMARCA4 (SWI/SNF related BAF chromatin remodeling complex subunit ATPase 4; plus strand). Cytogenetic location: 19p13.2.
Variant type: single nucleotide variant.
Coding change: c.1419+4C>T on transcript NM_003072.5 (MANE Select); 4 bases into the intron after coding-DNA position 1419, C replaced by T.
Molecular consequence: intron variant.
Genome position (GRCh38, 1-based): chr19:10,991,327, C>T. VCF-style: chr19-10991327-C-T. GRCh37 (hg19) VCF-style: chr19-11102003-C-T.
Other names: c.1419+4C>T (NM_001128844.3, NM_001128849.3, NM_001128847.4 and 5 more transcripts).
Identifiers: ClinVar variation 221154 (VCV000221154.23), dbSNP rs370219784, ClinGen allele CA349693.